The following is an entry in ClinVar:

ClinVar aggregate classification (germline): Likely benign (1 of 4 stars; one submission).

Submission:

GeneDx
Classification: Likely benign. Last evaluated: 2016-03-15. Review status: criteria provided, single submitter. Criteria: GeneDx Variant Classification (06012015). Collection method: clinical testing. Allele origin: germline. Affected: yes.
Comment: This variant is considered likely benign or benign based on one or more of the following criteria: it is a conservative change, it occurs at a poorly conserved position in the protein, it is predicted to be benign by multiple in silico algorithms, and/or has population frequency not consistent with disease.

NM_002693.3(POLG):c.2735-17T>G

Genes: POLG (DNA polymerase gamma, catalytic subunit; minus strand), POLGARF (POLG alternative reading frame; minus strand). Cytogenetic location: 15q26.1.
Variant type: single nucleotide variant.
Coding change: c.2735-17T>G on transcript NM_002693.3 (MANE Select); 17 bases into the intron before coding-DNA position 2735, T replaced by G.
Molecular consequence: intron variant.
Genome position (GRCh38, 1-based): chr15:89,321,029, A>C on the plus strand (T>G on the coding strand, the complement: POLG is on the minus strand). VCF-style: chr15-89321029-A-C. GRCh37 (hg19) VCF-style: chr15-89864260-A-C.
Other names: c.2735-17T>G (NM_001126131.2).
Identifiers: ClinVar variation 384369 (VCV000384369.1), dbSNP rs1057521939, ClinGen allele CA16607059.